The following is an entry in ClinVar:

ClinVar aggregate classification (germline): Conflicting classifications of pathogenicity. Review status: criteria provided, conflicting classifications (1 of 4 stars). 4 submissions from 4 submitters: Uncertain significance (3); Likely benign (1). Last evaluated 2025-09-10.

Conditions:
Cardiac arrhythmia, ankyrin-B-related. Also called: ANKYRIN-B SYNDROME. Identifiers: Orphanet 101016, Orphanet 768, MedGen C1970119, MONDO:0010958, OMIM 600919.
Cardiovascular phenotype. Identifiers: MedGen CN230736.
Long QT syndrome (LQTS). Identifiers: MedGen C0023976, MeSH D008133, MONDO:0002442. Disease mechanism: loss of function. Inheritance: Various modes of inheritance.

Allele frequency attached by ClinVar (database versions not stated): ExAC 0.00001; gnomAD exomes 0.00001 and 0.00002; gnomAD 0.00003; TOPMed 0.00003.
gnomAD v4.1: 33 of 1,614,000 alleles (0.002%); highest among the groups gnomAD compares: Middle Eastern, 0.016%; no homozygotes.

Submissions (4):

Labcorp Genetics (formerly Invitae), Labcorp
Classification: Uncertain significance for Long QT syndrome. Last evaluated: 2025-09-10. Review status: criteria provided, single submitter. Criteria: Invitae Variant Classification Sherloc (09022015). Collection method: clinical testing. Allele origin: germline.
Comment: This sequence change replaces aspartic acid, which is acidic and polar, with glycine, which is neutral and non-polar, at codon 2326 of the ANK2 protein (p.Asp2326Gly). This variant is present in population databases (rs777618921, gnomAD 0.003%). This variant has not been reported in the literature in individuals affected with ANK2-related conditions. ClinVar contains an entry for this variant (Variation ID: 1206823). An algorithm developed to predict the effect of missense changes on protein structure and function outputs the following: PolyPhen-2: "Benign". The glycine amino acid residue is found in multiple mammalian species, which suggests that this missense change does not adversely affect protein function. In summary, the available evidence is currently insufficient to determine the role of this variant in disease. Therefore, it has been classified as a Variant of Uncertain Significance.

Ambry Genetics
Classification: Likely benign for Cardiovascular phenotype. Last evaluated: 2024-07-10. Review status: criteria provided, single submitter. Criteria: Ambry Variant Classification Scheme 2023. Collection method: clinical testing. Allele origin: germline.

Fulgent Genetics
Classification: Uncertain significance for Cardiac arrhythmia, ankyrin-B-related. Last evaluated: 2021-09-29. Review status: criteria provided, single submitter. Criteria: ACMG Guidelines, 2015. Collection method: clinical testing. Allele origin: unknown.

GeneDx
Classification: Uncertain significance. Last evaluated: 2020-09-11. Review status: criteria provided, single submitter. Criteria: GeneDx Variant Classification Process June 2021. Collection method: clinical testing. Allele origin: germline. Affected: yes.
Comment: Has not been previously published as pathogenic or benign to our knowledge; Not observed at a significant frequency in large population cohorts (Lek et al., 2016); In silico analysis, which includes protein predictors and evolutionary conservation, supports that this variant does not alter protein structure/function

NM_001148.6(ANK2):c.6977A>G (p.Asp2326Gly)

Genes: ANK2 (ankyrin 2; plus strand), LOC126807137 (CDK7 strongly-dependent group 2 enhancer GRCh37_chr4:114276560-114277759; plus strand). Cytogenetic location: 4q26.
Variant type: single nucleotide variant.
Coding change: c.6977A>G on transcript NM_001148.6 (MANE Select); coding-DNA position 6977, A replaced by G.
Protein change: p.Asp2326Gly; replaces aspartic acid 2326 with glycine.
Molecular consequence: missense variant. On other transcripts: intron variant (68).
Genome position (GRCh38, 1-based): chr4:113,355,595, A>G. VCF-style: chr4-113355595-A-G. GRCh37 (hg19) VCF-style: chr4-114276751-A-G.
Other names: c.6743A>G, p.Asp2248Gly (NM_001386142.1); c.3377A>G, p.Asp1126Gly (NM_001386166.1); c.7118A>G, p.Asp2373Gly (NM_001386174.1); c.7094A>G, p.Asp2365Gly (NM_001386175.1); c.4412-5228A>G (NM_001386186.2, NM_001386148.2); c.4214-5228A>G (NM_001354269.3); c.4292-5228A>G (NM_001386187.2); c.4253-5228A>G (NM_001386147.1); and 35 more; short protein forms D1126G, D2248G, D2326G, D2365G, D2373G.
Identifiers: ClinVar variation 1206823 (VCV001206823.16), dbSNP rs777618921, ClinGen allele CA3051506.